The following is an entry in ClinVar:

NM_000317.3(PTS):c.314+1G>C

Gene: PTS (6-pyruvoyltetrahydropterin synthase; plus strand). Cytogenetic location: 11q23.1.
Variant type: single nucleotide variant.
Coding change: c.314+1G>C on transcript NM_000317.3 (MANE Select); the canonical splice donor site of the intron after coding-DNA position 314, G replaced by C.
Molecular consequence: splice donor variant.
Genome position (GRCh38, 1-based): chr11:112,233,234, G>C. VCF-style: chr11-112233234-G-C. GRCh37 (hg19) VCF-style: chr11-112103957-G-C.
Identifiers: ClinVar variation 557025 (VCV000557025.3), dbSNP rs1555198462, ClinGen allele CA382627926.

ClinVar aggregate classification (germline): Likely pathogenic. Review status: criteria provided, single submitter (1 of 4 stars). 2 submissions from 2 submitters: Likely pathogenic (1). 1 of the submissions does not count toward it. Last evaluated 2024-05-28.

Conditions:
6-Pyruvoyl-tetrahydrobiopterin synthase deficiency. Also called: PTS DEFICIENCY; HYPERPHENYLALANINEMIA, TETRAHYDROBIOPTERIN-DEFICIENT, DUE TO PTS DEFICIENCY; Hyperphenylalanemia, BH4-deficient, A; Hyperphenylalaninemia due to 6-pyruvoyl-tetrahydropterin synthase deficiency; 6-Pyruvoyltetrahydropterin Synthase Deficiency; BH4-deficient hyperphenylalaninemia A. Identifiers: Orphanet 13, Orphanet 238583, MedGen C0878676, MONDO:0009863, OMIM 261640.

Submissions (2):

Natera, Inc.
Classification: Likely pathogenic for 6-Pyruvoyl-tetrahydrobiopterin synthase deficiency. Last evaluated: 2024-05-28. Review status: criteria provided, single submitter. Criteria: Natera Variant Classification Schema (03/2026). Collection method: clinical testing. Allele origin: germline.
Comment: The c.314+1G>C variant in PTS is a canonical splice donor site variant predicted to affect pre-mRNA splicing, which may result in an abnormal transcript and altered protein product. This variant is expected to result in nonsense mediated decay, truncation, or a dysfunctional protein product. This variant is rare in the general population with a frequency below the threshold expected for the associated phenotype(s). Given the available evidence, this variant is classified as Likely Pathogenic.

Counsyl
Classification: Likely pathogenic for 6-Pyruvoyl-tetrahydrobiopterin synthase deficiency. Last evaluated: 2018-03-05. Review status: no assertion criteria provided. Collection method: clinical testing. Allele origin: unknown. Not counted in ClinVar's aggregate classification.